The following is an entry in ClinVar:

NM_000156.6(GAMT):c.523G>C (p.Gly175Arg)

Gene: GAMT (guanidinoacetate N-methyltransferase; minus strand). Cytogenetic location: 19p13.3.
Variant type: single nucleotide variant.
Coding change: c.523G>C on transcript NM_000156.6 (MANE Select); coding-DNA position 523, G replaced by C.
Protein change: p.Gly175Arg; replaces glycine 175 with arginine.
Molecular consequence: missense variant.
Genome position (GRCh38, 1-based): chr19:1,398,963, C>G on the plus strand (G>C on the coding strand, the complement: GAMT is on the minus strand). VCF-style: chr19-1398963-C-G. GRCh37 (hg19) VCF-style: chr19-1398962-C-G.
Other names: p.G175R:GGG>CGG; c.523G>C, p.Gly175Arg (NM_138924.3); short protein forms G175R.
Identifiers: ClinVar variation 205585 (VCV000205585.2), dbSNP rs758371494, ClinGen allele CA314814.

ClinVar aggregate classification (germline): Uncertain significance (1 of 4 stars; one submission).

gnomAD v4.1: 8 of 1,613,416 alleles (0.0005%); highest among the groups gnomAD compares: African/African-American, 0.0013%; no homozygotes.

Submission:

GeneDx
Classification: Uncertain significance. Last evaluated: 2018-02-02. Review status: criteria provided, single submitter. Criteria: GeneDx Variant Classification (06012015). Collection method: clinical testing. Allele origin: germline. Affected: yes.
Comment: A variant of uncertain significance has been identified in the GAMT gene. The G175R variant has not been published as a pathogenic variant, nor has it been reported as a benign variant to our knowledge. The G175R variant is not observed at a significant frequency in large population cohorts (Lek et al., 2016). The G175R variant is a non-conservative amino acid substitution, which is likely to impact secondary protein structure as these residues differ in polarity, charge, size and/or other properties. In-silico analyses, including protein predictors and evolutionary conservation, support a deleterious effect. Based on the currently available information, it is unclear whether this variant is a pathogenic variant or a rare benign variant.